The following is an entry in ClinVar:

ClinVar aggregate classification (germline): Uncertain significance. Review status: criteria provided, multiple submitters, no conflicts (2 of 4 stars). 2 submissions from 2 submitters: Uncertain significance (2). Last evaluated 2025-05-20.

Conditions:
Hereditary cancer-predisposing syndrome. Also called: Neoplastic Syndromes, Hereditary; Tumor predisposition; Hereditary Cancer Syndrome; Hereditary neoplastic syndrome. Identifiers: Orphanet 140162, MedGen C0027672, MeSH D009386, MONDO:0015356.

Submissions (2):

Color Diagnostics, LLC DBA Color Health
Classification: Uncertain significance for Hereditary cancer-predisposing syndrome. Last evaluated: 2025-05-20. Review status: criteria provided, single submitter. Criteria: ACMG Guidelines, 2015. Collection method: clinical testing. Allele origin: germline.
Comment: This missense variant replaces alanine with valine at codon 702 of the PMS2 protein. Computational prediction suggests that this variant may have deleterious impact on protein structure and function. To our knowledge, functional studies have not been reported for this variant. This variant has not been reported in individuals affected with PMS2-related disorders in the literature. This variant has not been identified in the general population by the Genome Aggregation Database (gnomAD). The available evidence is insufficient to determine the role of this variant in disease conclusively. Therefore, this variant is classified as a Variant of Uncertain Significance.

Ambry Genetics
Classification: Uncertain significance for Hereditary cancer-predisposing syndrome. Last evaluated: 2020-01-25. Review status: criteria provided, single submitter. Criteria: Ambry Variant Classification Scheme 2023. Collection method: clinical testing. Allele origin: germline.
Comment: The p.A702V variant (also known as c.2105C>T), located in coding exon 12 of the PMS2 gene, results from a C to T substitution at nucleotide position 2105. The alanine at codon 702 is replaced by valine, an amino acid with similar properties. This amino acid position is highly conserved in available vertebrate species. In addition, this alteration is predicted to be deleterious by in silico analysis. Since supporting evidence is limited at this time, the clinical significance of this alteration remains unclear.

NM_000535.7(PMS2):c.2105C>T (p.Ala702Val)

Gene: PMS2 (PMS1 homolog 2, mismatch repair system component; minus strand). Cytogenetic location: 7p22.1.
Variant type: single nucleotide variant.
Coding change: c.2105C>T on transcript NM_000535.7 (MANE Select); coding-DNA position 2105, C replaced by T.
Protein change: p.Ala702Val; replaces alanine 702 with valine.
Molecular consequence: missense variant. On other transcripts: non-coding transcript variant (1).
Genome position (GRCh38, 1-based): chr7:5,982,893, G>A on the plus strand (C>T on the coding strand, the complement: PMS2 is on the minus strand). VCF-style: chr7-5982893-G-A. GRCh37 (hg19) VCF-style: chr7-6022524-G-A.
Other names: c.1700C>T, p.Ala567Val (NM_001406889.1, NM_001406893.1, NM_001406894.1 and 15 more transcripts); c.1949C>T, p.Ala650Val (NM_001322006.2, NM_001406870.1); c.1787C>T, p.Ala596Val (NM_001322007.2, NM_001322008.2, NM_001406876.1 and 1 more transcripts); c.1544C>T, p.Ala515Val (NM_001322010.2, NM_001406906.1, NM_001406907.1); c.1172C>T, p.Ala391Val (NM_001322011.2, NM_001322012.2); c.1532C>T, p.Ala511Val (NM_001322013.2, NM_001406909.1); c.2105C>T, p.Ala702Val (NM_001322014.2, NM_001406871.1); c.1796C>T, p.Ala599Val (NM_001322015.2, NM_001406875.1, NM_001406877.1 and 5 more transcripts); and 13 more; short protein forms A515V, A594V, A596V, A646V, A710V, A764V, A567V, A531V.
Identifiers: ClinVar variation 1785978 (VCV001785978.3), dbSNP rs2128703349, ClinGen allele CA366737984.